The following is an entry in ClinVar:

ClinVar aggregate classification (germline): Uncertain significance (1 of 4 stars; one submission).

Conditions:
Pierson syndrome. Also called: MICROCORIA-CONGENITAL NEPHROTIC SYNDROME. Identifiers: Orphanet 2670, MedGen C1836876, MONDO:0012184, OMIM 609049.
LAMB2-related infantile-onset nephrotic syndrome. Also called: NEPHROTIC SYNDROME, TYPE 5, WITHOUT OCULAR ABNORMALITIES; NEPHROTIC SYNDROME, TYPE 5, WITH OCULAR ABNORMALITIES; Nephrotic Syndrome, type 5. Identifiers: Orphanet 306507, MedGen C3280113, MONDO:0013621, OMIM 614199.

Submission:

Labcorp Genetics (formerly Invitae), Labcorp
Classification: Uncertain significance for LAMB2-related infantile-onset nephrotic syndrome; Pierson syndrome. Last evaluated: 2020-11-18. Review status: criteria provided, single submitter. Criteria: Invitae Variant Classification Sherloc (09022015). Collection method: clinical testing. Allele origin: germline.
Comment: This sequence change replaces arginine with proline at codon 866 of the LAMB2 protein (p.Arg866Pro). The arginine residue is moderately conserved and there is a moderate physicochemical difference between arginine and proline. This variant is not present in population databases (ExAC no frequency). This variant has not been reported in the literature in individuals with LAMB2-related conditions. Algorithms developed to predict the effect of missense changes on protein structure and function output the following: SIFT: "Tolerated"; PolyPhen-2: "Benign"; Align-GVGD: "Class C0". The proline amino acid residue is found in multiple mammalian species, suggesting that this missense change does not adversely affect protein function. These predictions have not been confirmed by published functional studies and their clinical significance is uncertain. In summary, the available evidence is currently insufficient to determine the role of this variant in disease. Therefore, it has been classified as a Variant of Uncertain Significance.

NM_002292.4(LAMB2):c.2597G>C (p.Arg866Pro)

Genes: LAMB2 (laminin subunit beta 2; minus strand), LOC129936738 (ATAC-STARR-seq lymphoblastoid active region 19855; plus strand). Cytogenetic location: 3p21.31.
Variant type: single nucleotide variant.
Coding change: c.2597G>C on transcript NM_002292.4 (MANE Select); coding-DNA position 2597, G replaced by C.
Protein change: p.Arg866Pro; replaces arginine 866 with proline.
Molecular consequence: missense variant.
Genome position (GRCh38, 1-based): chr3:49,125,376, C>G on the plus strand (G>C on the coding strand, the complement: LAMB2 is on the minus strand). VCF-style: chr3-49125376-C-G. GRCh37 (hg19) VCF-style: chr3-49162809-C-G.
Other names: short protein forms R866P.
Identifiers: ClinVar variation 1348912 (VCV001348912.8), dbSNP rs745441757, ClinGen allele CA352719572.
Genomic context (GRCh38, chr3:49,125,376, plus strand): 5'-CACTCATCTGCATGCCCATTGCAGACACATGGCCGGCAGCTAGGGAATCCCCACTGGCCA[C>G]GCTGGCAGCGGTCACAGCGAAGCCCAAAGGCACCAGTTCGACAGAGACATTGCCCACTGG-3'
Protein context (NP_002283.3, residues 856-876): AFGLRCDRCQ[Arg866Pro]GQWGFPSCRP